The following is an entry in ClinVar:

ClinVar aggregate classification (germline): Uncertain significance. Review status: criteria provided, multiple submitters, no conflicts (2 of 4 stars). 3 submissions from 3 submitters: Uncertain significance (3). Last evaluated 2024-09-22.

Conditions:
Immunoglobulin-mediated membranoproliferative glomerulonephritis. Also called: NEPHROTIC SYNDROME, TYPE 7, WITH MEMBRANOPROLIFERATIVE GLOMERULONEPHRITIS; Nephrotic syndrome, type 7. Identifiers: Orphanet 329903, MedGen C3554330, MONDO:0014005, OMIM 615008.

Allele frequency attached by ClinVar (database versions not stated): gnomAD exomes 0.00004; ExAC 0.00010; gnomAD 0.00014; TOPMed 0.00018; 1000 Genomes Project 0.00020; ESP Exome Variant Server 0.00023; 1000 Genomes Project 30x 0.00031.
gnomAD v4.1: 84 of 1,613,924 alleles (0.0052%); highest among the groups gnomAD compares: African/African-American, 0.044%; no homozygotes.

Submissions (3):

Revvity Omics, Revvity
Classification: Uncertain significance for Immunoglobulin-mediated membranoproliferative glomerulonephritis. Last evaluated: 2024-09-22. Review status: criteria provided, single submitter. Criteria: ACMG Guidelines, 2015. Collection method: clinical testing. Allele origin: germline.

Labcorp Genetics (formerly Invitae), Labcorp
Classification: Uncertain significance. Last evaluated: 2024-06-03. Review status: criteria provided, single submitter. Criteria: Invitae Variant Classification Sherloc (09022015). Collection method: clinical testing. Allele origin: germline.
Comment: This sequence change replaces asparagine, which is neutral and polar, with serine, which is neutral and polar, at codon 385 of the DGKE protein (p.Asn385Ser). This variant is present in population databases (rs145980200, gnomAD 0.03%). This missense change has been observed in individual(s) with atypical hemolytic uremic syndrome (PMID: 28939980). ClinVar contains an entry for this variant (Variation ID: 2152290). Advanced modeling of protein sequence and biophysical properties (such as structural, functional, and spatial information, amino acid conservation, physicochemical variation, residue mobility, and thermodynamic stability) performed at Invitae indicates that this missense variant is not expected to disrupt DGKE protein function with a negative predictive value of 80%. In summary, the available evidence is currently insufficient to determine the role of this variant in disease. Therefore, it has been classified as a Variant of Uncertain Significance.

Blueprint Genetics
Classification: Uncertain significance. Last evaluated: 2023-05-26. Review status: criteria provided, single submitter. Criteria: ACMG Guidelines, 2015. Collection method: clinical testing. Allele origin: germline.

Literature cited by the submitters: PubMed 28939980 (cited by Labcorp Genetics (formerly Invitae), Labcorp).

NM_003647.3(DGKE):c.1154A>G (p.Asn385Ser)

Gene: DGKE (diacylglycerol kinase epsilon; plus strand). Cytogenetic location: 17q22.
Variant type: single nucleotide variant.
Coding change: c.1154A>G on transcript NM_003647.3 (MANE Select); coding-DNA position 1154, A replaced by G.
Protein change: p.Asn385Ser; replaces asparagine 385 with serine.
Molecular consequence: missense variant.
Genome position (GRCh38, 1-based): chr17:56,856,567, A>G. VCF-style: chr17-56856567-A-G. GRCh37 (hg19) VCF-style: chr17-54933928-A-G.
Other names: short protein forms N385S.
Identifiers: ClinVar variation 2152290 (VCV002152290.4), dbSNP rs145980200, ClinGen allele CA8663726.